The following is an entry in ClinVar:

NM_001164508.2(NEB):c.13220del (p.Pro4407fs)

Gene: NEB (nebulin; minus strand). Cytogenetic location: 2q23.3.
Variant type: Deletion.
Coding change: c.13220del on transcript NM_001164508.2 (MANE Select); coding-DNA position 13220, one base deleted (C; older notation c.13220delC).
Protein change: p.Pro4407fs; shifts the reading frame from proline 4407.
Molecular consequence: frameshift variant. On other transcripts: intron variant (1).
Genome position (GRCh38, 1-based): chr2:151,603,612, G deleted on the plus strand (C on the coding strand, the reverse complement: NEB is on the minus strand); the first of 4 consecutive G bases (chr2:151,603,612-151,603,615); deleting any one gives the same sequence. VCF-style (leftmost placement, unchanged base first): chr2-151603611-CG-C. GRCh37 (hg19) VCF-style: chr2-152460125-CG-C.
Other names: c.13220del, p.Pro4407fs (NM_001164507.2, NM_001271208.2); c.11601+6197del (NM_004543.5); c.13220del (NM_001271208.1); short protein forms P4407fs.
Identifiers: ClinVar variation 1372386 (VCV001372386.9), dbSNP rs2153930361, ClinGen allele CA2573133404.

ClinVar aggregate classification (germline): Pathogenic/Likely pathogenic. Review status: criteria provided, multiple submitters, no conflicts (2 of 4 stars). 2 submissions from 2 submitters: Pathogenic (1); Likely pathogenic (1). Last evaluated 2024-03-29.

Conditions:
Arthrogryposis multiplex congenita 6. Identifiers: MedGen C5543431, MONDO:0030281, OMIM 619334.
Nemaline myopathy 2 (NEM2). Also called: Nemaline myopathy 2, autosomal recessive. Identifiers: MedGen C1850569, MONDO:0009725, OMIM 256030.

Submissions (2):

Baylor Genetics
Classification: Likely pathogenic for Arthrogryposis multiplex congenita 6. Last evaluated: 2024-03-29. Review status: criteria provided, single submitter. Criteria: ACMG Guidelines, 2015. Collection method: clinical testing. Allele origin: unknown.

Labcorp Genetics (formerly Invitae), Labcorp
Classification: Pathogenic for Nemaline myopathy 2. Last evaluated: 2021-05-06. Review status: criteria provided, single submitter. Criteria: Invitae Variant Classification Sherloc (09022015). Collection method: clinical testing. Allele origin: germline.
Comment: This variant occurs in a region of NEB (Exons 82-105) consisting of three highly homologous 8-exon repeat units (exons 82-89, exons 90-97, exons 98-105). Sequence variants in this region can be detected, but this assay cannot determine which of the three repeat units is affected, and zygosity is often ambiguous. All variants in this region are reported relative to the exon 82-89 repeat. For these reasons, this variant has been classified as Pathogenic. This variant has not been reported in the literature in individuals with NEB-related conditions. The frequency data for this variant in the population databases (ExAC) is considered unreliable due to the presence of homologous sequence, such as pseudogenes or paralogs, in the genome. This sequence change creates a premature translational stop signal (p.Pro4407Argfs*3) in the NEB gene. It is expected to result in an absent or disrupted protein product. Loss-of-function variants in NEB are known to be pathogenic (PMID: 25205138).

Literature cited by the submitters: PubMed 25205138 (cited by Labcorp Genetics (formerly Invitae), Labcorp).